The following is an entry in ClinVar:

NM_000069.3(CACNA1S):c.3794A>G (p.Gln1265Arg)

Gene: CACNA1S (calcium voltage-gated channel subunit alpha1 S; minus strand). Cytogenetic location: 1q32.1.
Variant type: single nucleotide variant.
Coding change: c.3794A>G on transcript NM_000069.3 (MANE Select); coding-DNA position 3794, A replaced by G.
Protein change: p.Gln1265Arg; replaces glutamine 1265 with arginine.
Molecular consequence: missense variant.
Genome position (GRCh38, 1-based): chr1:201,053,460, T>C on the plus strand (A>G on the coding strand, the complement: CACNA1S is on the minus strand). VCF-style: chr1-201053460-T-C. GRCh37 (hg19) VCF-style: chr1-201022588-T-C.
Other names: short protein forms Q1265R.
Identifiers: ClinVar variation 2421959 (VCV002421959.6), dbSNP rs1660728454, ClinGen allele CA344154054.
Genomic context (GRCh38, chr1:201,053,460, plus strand): 5'-AGGCAGATGTCCCTAGTGGCCTCCCCAGGTACGTGCAGTTTCCAGGGTCCCTGTTGCACC[T>C]GGAAGGACTTGATGAACGTCCACAGGAGGGTTCGCACTCCTTCTGCCCGGCTCAGCAGCT-3'
Protein context (NP_000060.2, residues 1255-1275): TLLWTFIKSF[Gln1265Arg]ALPYVALLIV

ClinVar aggregate classification (germline): Uncertain significance. Review status: criteria provided, multiple submitters, no conflicts (2 of 4 stars). 2 submissions from 2 submitters: Uncertain significance (2). Last evaluated 2025-02-05.

Conditions:
Malignant hyperthermia, susceptibility to, 5 (MHS5). Also called: CACNA1S-Related Malignant Hyperthermia Susceptibility. Identifiers: Orphanet 423, MedGen C1866077, MONDO:0011163, OMIM 601887.
Hypokalemic periodic paralysis, type 1. Also called: HypoPP; Hypokalemic Periodic Paralysis Type 1 (AD). Identifiers: Orphanet 681, MedGen C3714580, MONDO:0042979, OMIM 170400.

Submissions (2):

Labcorp Genetics (formerly Invitae), Labcorp
Classification: Uncertain significance for Hypokalemic periodic paralysis, type 1; Malignant hyperthermia, susceptibility to, 5. Last evaluated: 2025-02-05. Review status: criteria provided, single submitter. Criteria: Invitae Variant Classification Sherloc (09022015). Collection method: clinical testing. Allele origin: germline.
Comment: This sequence change replaces glutamine, which is neutral and polar, with arginine, which is basic and polar, at codon 1265 of the CACNA1S protein (p.Gln1265Arg). This variant is not present in population databases (gnomAD no frequency). This variant has not been reported in the literature in individuals affected with CACNA1S-related conditions. ClinVar contains an entry for this variant (Variation ID: 2421959). Invitae Evidence Modeling of protein sequence and biophysical properties (such as structural, functional, and spatial information, amino acid conservation, physicochemical variation, residue mobility, and thermodynamic stability) has been performed for this missense variant. However, the output from this modeling did not meet the statistical confidence thresholds required to predict the impact of this variant on CACNA1S protein function. Algorithms developed to predict the effect of sequence changes on RNA splicing suggest that this variant may disrupt the consensus splice site. In summary, the available evidence is currently insufficient to determine the role of this variant in disease. Therefore, it has been classified as a Variant of Uncertain Significance.

All of Us Research Program, National Institutes of Health
Classification: Uncertain significance for Malignant hyperthermia, susceptibility to, 5. Last evaluated: 2024-05-14. Review status: criteria provided, single submitter. Criteria: ACMG Guidelines, 2015. Collection method: clinical testing. Allele origin: germline. Inheritance: Autosomal dominant inheritance. Observed: 1 variant allele, 1 heterozygote.
Comment: This missense variant replaces glutamine with arginine at codon 1265 of the CACNA1S protein. Computational prediction suggests that this variant may have deleterious impact on protein structure and function (internally defined REVEL score threshold >= 0.7, PMID: 27666373). To our knowledge, functional studies have not been reported for this variant. This variant has not been reported in individuals affected with CACNA1S-related disorders in the literature. This variant has not been identified in the general population by the Genome Aggregation Database (gnomAD). The available evidence is insufficient to determine the role of this variant in disease conclusively. Therefore, this variant is classified as a Variant of Uncertain Significance.

This study involves interpretation of variants in research participants for the purpose of population health screening. Participant phenotype was not available at the time of variant classification. Additional details can be found in publication PMID: 35346344, PMCID: PMC8962531